The following is an entry in ClinVar:

ClinVar aggregate classification (germline): Uncertain significance (1 of 4 stars; one submission).

gnomAD v4.1: 6 of 1,563,070 alleles (0.00038%); highest among the groups gnomAD compares: Admixed American, 0.0074%; no homozygotes.

Submission:

Labcorp Genetics (formerly Invitae), Labcorp
Classification: Uncertain significance. Last evaluated: 2022-08-05. Review status: criteria provided, single submitter. Criteria: Invitae Variant Classification Sherloc (09022015). Collection method: clinical testing. Allele origin: germline.
Comment: This sequence change replaces aspartic acid, which is acidic and polar, with valine, which is neutral and non-polar, at codon 9 of the ABHD5 protein (p.Asp9Val). This variant is present in population databases (no rsID available, gnomAD 0.01%). This variant has not been reported in the literature in individuals affected with ABHD5-related conditions. Algorithms developed to predict the effect of missense changes on protein structure and function (SIFT, PolyPhen-2, Align-GVGD) all suggest that this variant is likely to be tolerated. In summary, the available evidence is currently insufficient to determine the role of this variant in disease. Therefore, it has been classified as a Variant of Uncertain Significance.

NM_016006.6(ABHD5):c.26A>T (p.Asp9Val)

Genes: ABHD5 (abhydrolase domain containing 5, lysophosphatidic acid acyltransferase; plus strand), ANO10 (anoctamin 10; minus strand). Cytogenetic location: 3p21.33.
Variant type: single nucleotide variant.
Coding change: c.26A>T on transcript NM_016006.6 (MANE Select); coding-DNA position 26, A replaced by T.
Protein change: p.Asp9Val; replaces aspartic acid 9 with valine.
Molecular consequence: missense variant. On other transcripts: non-coding transcript variant (1), intron variant (2).
Genome position (GRCh38, 1-based): chr3:43,691,018, A>T. VCF-style: chr3-43691018-A-T. GRCh37 (hg19) VCF-style: chr3-43732510-A-T.
Other names: c.26A>T, p.Asp9Val (NM_001355186.2, NM_001365650.1); c.-12+499T>A (NM_001346469.2, NM_001346468.2); short protein forms D9V.
Identifiers: ClinVar variation 1934953 (VCV001934953.2), dbSNP rs144420157, ClinGen allele CA352343663.
Genomic context (GRCh38, chr3:43,691,018, plus strand): 5'-TCGAGATAAGTCCCGGCGCTTGCGCGGCGGCGGCTATGGCGGCGGAGGAGGAGGAGGTGG[A>T]CTCTGCCGACACCGGAGAGAGGTAAGCGCAGCCGGCAGGGGGCTTCGTGTGTCTCCGGCG-3'
Protein context (NP_057090.2, residues 1-19): MAAEEEEV[Asp9Val]SADTGERSGW